The following is an entry in ClinVar:

NM_001042492.3(NF1):c.4230C>A (p.Phe1410Leu)

Gene: NF1 (neurofibromin 1; plus strand). Cytogenetic location: 17q11.2.
Variant type: single nucleotide variant.
Coding change: c.4230C>A on transcript NM_001042492.3 (MANE Select); coding-DNA position 4230, C replaced by A.
Protein change: p.Phe1410Leu; replaces phenylalanine 1410 with leucine.
Molecular consequence: missense variant.
Genome position (GRCh38, 1-based): chr17:31,258,400, C>A. VCF-style: chr17-31258400-C-A. GRCh37 (hg19) VCF-style: chr17-29585418-C-A.
Other names: c.4167C>A, p.Phe1389Leu (NM_000267.4); short protein forms F1389L, F1410L.
Identifiers: ClinVar variation 2917391 (VCV002917391.3), dbSNP rs750213850, ClinGen allele CA398997821.

ClinVar aggregate classification (germline): Uncertain significance (1 of 4 stars; one submission).

Conditions:
Neurofibromatosis, type 1 (NF1). Also called: Neurofibromatosis, type I; NEUROFIBROMATOSIS, TYPE I, SOMATIC; Peripheral type neurofibromatosis; VON RECKLINGHAUSEN DISEASE. Identifiers: Orphanet 636, MedGen C0027831, MONDO:0018975, OMIM 162200. Disease mechanism: loss of function.

Submission:

Labcorp Genetics (formerly Invitae), Labcorp
Classification: Uncertain significance for Neurofibromatosis, type 1. Last evaluated: 2024-08-16. Review status: criteria provided, single submitter. Criteria: Invitae Variant Classification Sherloc (09022015). Collection method: clinical testing. Allele origin: germline.
Comment: This sequence change replaces phenylalanine, which is neutral and non-polar, with leucine, which is neutral and non-polar, at codon 1389 of the NF1 protein (p.Phe1389Leu). This variant is not present in population databases (gnomAD no frequency). This variant has not been reported in the literature in individuals affected with NF1-related conditions. Invitae Evidence Modeling of protein sequence and biophysical properties (such as structural, functional, and spatial information, amino acid conservation, physicochemical variation, residue mobility, and thermodynamic stability) indicates that this missense variant is expected to disrupt NF1 protein function with a positive predictive value of 95%. In summary, the available evidence is currently insufficient to determine the role of this variant in disease. Therefore, it has been classified as a Variant of Uncertain Significance.